The following is an entry in ClinVar:

NM_001267550.2(TTN):c.104266A>T (p.Arg34756Ter)

Genes: TTN (titin; minus strand), TTN-AS1 (TTN antisense RNA 1; plus strand). Cytogenetic location: 2q31.2.
Variant type: single nucleotide variant.
Coding change: c.104266A>T on transcript NM_001267550.2 (MANE Select); coding-DNA position 104266, A replaced by T.
Protein change: p.Arg34756Ter; replaces arginine 34756 with a stop codon.
Molecular consequence: nonsense.
Genome position (GRCh38, 1-based): chr2:178,532,349, T>A on the plus strand (A>T on the coding strand, the complement: TTN is on the minus strand). VCF-style: chr2-178532349-T-A. GRCh37 (hg19) VCF-style: chr2-179397076-T-A.
Other names: c.99343A>T, p.Arg33115Ter (NM_001256850.1); c.77071A>T, p.Arg25691Ter (NM_003319.4); c.96562A>T, p.Arg32188Ter (NM_133378.4); c.77446A>T, p.Arg25816Ter (NM_133432.3); c.77647A>T, p.Arg25883Ter (NM_133437.4); short protein forms R25691*, R25816*, R25883*, R33115*, R34756*, R32188*.
Identifiers: ClinVar variation 2130031 (VCV002130031.4), dbSNP rs2468447321, ClinGen allele CA349412120.

ClinVar aggregate classification (germline): Likely pathogenic (1 of 4 stars; one submission).

Conditions:
Dilated cardiomyopathy 1G (CMD1G). Identifiers: Orphanet 154, MedGen C1858763, MONDO:0011400, OMIM 604145.
Autosomal recessive limb-girdle muscular dystrophy type 2J (LGMDR10). Also called: Limb-girdle muscular dystrophy, type 2J; MUSCULAR DYSTROPHY, LIMB-GIRDLE, AUTOSOMAL RECESSIVE 10. Identifiers: Orphanet 140922, MedGen C1837342, MONDO:0012127, OMIM 608807.

Submission:

Labcorp Genetics (formerly Invitae), Labcorp
Classification: Likely pathogenic for Dilated cardiomyopathy 1G; Autosomal recessive limb-girdle muscular dystrophy type 2J. Last evaluated: 2023-12-06. Review status: criteria provided, single submitter. Criteria: Invitae Variant Classification Sherloc (09022015). Collection method: clinical testing. Allele origin: germline.
Comment: This sequence change creates a premature translational stop signal (p.Arg34756*) in the TTN gene. While this is not anticipated to result in nonsense mediated decay, it is expected to create a truncated TTN protein. This variant is not present in population databases (gnomAD no frequency). This variant has not been reported in the literature in individuals affected with TTN-related conditions. ClinVar contains an entry for this variant (Variation ID: 2130031). This variant is located in the M band of TTN (PMID: 25589632). Truncating variants in this region have been previously reported in individuals affected with autosomal recessive myopathy and muscular dystrophy (PMID: 18948003, 23975875, 24395473). Truncating variants in this region have also been identified in individuals affected with autosomal dominant dilated cardiomyopathy and/or cardio-related conditions (PMID: 27869827, 32964742). In summary, the currently available evidence indicates that the variant is pathogenic, but additional data are needed to prove that conclusively. Therefore, this variant has been classified as Likely Pathogenic.

Literature cited by the submitters: PubMed 25589632; PubMed 18948003; PubMed 23975875; PubMed 24395473; PubMed 27869827; PubMed 32964742.